The following is an entry in ClinVar:

ClinVar aggregate classification (germline): Pathogenic (1 of 4 stars; one submission).

Submission:

Labcorp Genetics (formerly Invitae), Labcorp
Classification: Pathogenic. Last evaluated: 2025-03-30. Review status: criteria provided, single submitter. Criteria: Invitae Variant Classification Sherloc (09022015). Collection method: clinical testing. Allele origin: germline.
Comment: This sequence change creates a premature translational stop signal (p.Trp62Glyfs*10) in the FERMT1 gene. It is expected to result in an absent or disrupted protein product. Loss-of-function variants in FERMT1 are known to be pathogenic (PMID: 14962093, 21936020). This variant is not present in population databases (gnomAD no frequency). This variant has not been reported in the literature in individuals affected with FERMT1-related conditions. For these reasons, this variant has been classified as Pathogenic.

Literature cited by the submitters: PubMed 14962093; PubMed 21936020.

NM_017671.5(FERMT1):c.184del (p.Trp62fs)

Gene: FERMT1 (FERM domain containing kindlin 1; minus strand). Cytogenetic location: 20p12.3.
Variant type: Deletion.
Coding change: c.184del on transcript NM_017671.5 (MANE Select); coding-DNA position 184, one base deleted (T; older notation c.184delT).
Protein change: p.Trp62fs; shifts the reading frame from tryptophan 62.
Molecular consequence: frameshift variant.
Genome position (GRCh38, 1-based): chr20:6,116,012, A deleted on the plus strand (T on the coding strand, the reverse complement: FERMT1 is on the minus strand); the first of 3 consecutive A bases (chr20:6,116,012-6,116,014); deleting any one gives the same sequence. VCF-style (leftmost placement, unchanged base first): chr20-6116011-CA-C. GRCh37 (hg19) VCF-style: chr20-6096658-CA-C.
Other names: short protein forms W62fs.
Identifiers: ClinVar variation 4716356 (VCV004716356.1).